The following is an entry in ClinVar:

NM_002382.5(MAX):c.241C>A (p.His81Asn)

Gene: MAX (MYC associated transcriptional regulator X; minus strand). Cytogenetic location: 14q23.3.
Variant type: single nucleotide variant.
Coding change: c.241C>A on transcript NM_002382.5 (MANE Select); coding-DNA position 241, C replaced by A.
Protein change: p.His81Asn; replaces histidine 81 with asparagine.
Molecular consequence: missense variant. On other transcripts: 5 prime UTR variant (6), non-coding transcript variant (7), intron variant (2).
Genome position (GRCh38, 1-based): chr14:65,077,967, G>T on the plus strand (C>A on the coding strand, the complement: MAX is on the minus strand). VCF-style: chr14-65077967-G-T. GRCh37 (hg19) VCF-style: chr14-65544685-G-T.
Other names: c.-34C>A (NM_001320415.2, NM_001407105.1, NM_001407106.1 and 1 more transcripts); c.241C>A, p.His81Asn (NM_001407094.1, NM_001407096.1, NM_001407097.1 and 3 more transcripts); c.214C>A, p.His72Asn (NM_001407095.1, NM_001407099.1, NM_001407100.1 and 6 more transcripts); c.133C>A, p.His45Asn (NM_001407098.1); c.-127C>A (NM_001407111.1, NM_001407112.1); c.144+15741C>A (NM_001271069.2); c.171+15741C>A (NM_197957.4); short protein forms H45N, H72N, H81N.
Identifiers: ClinVar variation 3222154 (VCV003222154.1), dbSNP rs1485256920, ClinGen allele CA390035626.
Genomic context (GRCh38, chr14:65,077,967, plus strand): 5'-GCTCACCTTGCTGCTCCAGAAGAGCATTCTGCCGCTTGAGGTCGTCAATATCTTGCTGGT[G>T]TGTGTGGTTTTTCCTTCGCATATACTGGATATATTCTGTGGCTTTGTCTAGGATTTGGGC-3'
Protein context (NP_002373.3, residues 71-91): IQYMRRKNHT[His81Asn]QQDIDDLKRQ

ClinVar aggregate classification (germline): Uncertain significance (1 of 4 stars; one submission).

Conditions:
Hereditary cancer-predisposing syndrome. Also called: Tumor predisposition; Hereditary neoplastic syndrome; Hereditary Cancer Syndrome; Neoplastic Syndromes, Hereditary. Identifiers: Orphanet 140162, MedGen C0027672, MeSH D009386, MONDO:0015356.

Allele frequency attached by ClinVar (database versions not stated): gnomAD exomes below 0.00001.
gnomAD v4.1: 1 of 1,614,230 alleles (0.000062%); highest among the groups gnomAD compares: South Asian, 0.0011%; no homozygotes.

Submission:

Ambry Genetics
Classification: Uncertain significance for Hereditary cancer-predisposing syndrome. Last evaluated: 2024-02-23. Review status: criteria provided, single submitter. Criteria: Ambry Variant Classification Scheme 2023. Collection method: clinical testing. Allele origin: germline.
Comment: The p.H81N variant (also known as c.241C>A), located in coding exon 4 of the MAX gene, results from a C to A substitution at nucleotide position 241. The histidine at codon 81 is replaced by asparagine, an amino acid with similar properties. This amino acid position is highly conserved in available vertebrate species. In addition, the in silico prediction for this alteration is inconclusive. Based on the available evidence, the clinical significance of this alteration remains unclear.